The following is an entry in ClinVar:

NM_001429.4(EP300):c.6896T>A (p.Ile2299Asn)

Gene: EP300 (EP300 lysine acetyltransferase; plus strand). Cytogenetic location: 22q13.2.
Variant type: single nucleotide variant.
Coding change: c.6896T>A on transcript NM_001429.4 (MANE Select); coding-DNA position 6896, T replaced by A.
Protein change: p.Ile2299Asn; replaces isoleucine 2299 with asparagine.
Molecular consequence: missense variant.
Genome position (GRCh38, 1-based): chr22:41,178,607, T>A. VCF-style: chr22-41178607-T-A. GRCh37 (hg19) VCF-style: chr22-41574611-T-A.
Other names: c.6818T>A, p.Ile2273Asn (NM_001362843.2); short protein forms I2299N, I2273N.
Identifiers: ClinVar variation 2103919 (VCV002103919.4), dbSNP rs1481010407, ClinGen allele CA411682988.
Genomic context (GRCh38, chr22:41,178,607, plus strand): 5'-GCCCCCAGCAGCATATGCTCCCAAATCAGGCCCAGTCCCCACACCTACAAGGCCAGCAGA[T>A]CCCTAATTCTCTCTCCAATCAAGTGCGCTCTCCCCAGCCTGTCCCTTCTCCACGGCCACA-3'
Protein context (NP_001420.2, residues 2289-2309): AQSPHLQGQQ[Ile2299Asn]PNSLSNQVRS

ClinVar aggregate classification (germline): Uncertain significance (1 of 4 stars; one submission).

Conditions:
Rubinstein-Taybi syndrome due to EP300 haploinsufficiency. Also called: EP300-Related Rubinstein-Taybi Syndrome; RUBINSTEIN-TAYBI SYNDROME 2. Identifiers: Orphanet 353284, Orphanet 783, MedGen C3150941, MONDO:0013364, OMIM 613684.

Allele frequency attached by ClinVar (database versions not stated): TOPMed below 0.00001; gnomAD 0.00001.
gnomAD v4.1: 1 of 1,613,668 alleles (0.000062%); highest among the groups gnomAD compares: Non-Finnish European, 0.000085%; no homozygotes.

Submission:

Labcorp Genetics (formerly Invitae), Labcorp
Classification: Uncertain significance for Rubinstein-Taybi syndrome due to EP300 haploinsufficiency. Last evaluated: 2022-06-03. Review status: criteria provided, single submitter. Criteria: Invitae Variant Classification Sherloc (09022015). Collection method: clinical testing. Allele origin: germline.
Comment: This sequence change replaces isoleucine, which is neutral and non-polar, with asparagine, which is neutral and polar, at codon 2299 of the EP300 protein (p.Ile2299Asn). This variant is not present in population databases (gnomAD no frequency). This variant has not been reported in the literature in individuals affected with EP300-related conditions. Advanced modeling of protein sequence and biophysical properties (such as structural, functional, and spatial information, amino acid conservation, physicochemical variation, residue mobility, and thermodynamic stability) performed at Invitae indicates that this missense variant is not expected to disrupt EP300 protein function. In summary, the available evidence is currently insufficient to determine the role of this variant in disease. Therefore, it has been classified as a Variant of Uncertain Significance.